The following is an entry in ClinVar:

ClinVar aggregate classification (germline): Uncertain significance. Review status: criteria provided, multiple submitters, no conflicts (2 of 4 stars). 4 submissions from 4 submitters: Uncertain significance (4). Last evaluated 2024-01-15.

Conditions:
Hereditary cancer-predisposing syndrome. Also called: Neoplastic Syndromes, Hereditary; Tumor predisposition; Hereditary Cancer Syndrome; Hereditary neoplastic syndrome. Identifiers: Orphanet 140162, MedGen C0027672, MeSH D009386, MONDO:0015356.
Meningioma. Also called: Meningioma, somatic. Identifiers: Orphanet 2495, MedGen C0025286, MONDO:0016642, HP:0002858.
Nijmegen breakage syndrome-like disorder (NBSLD). Also called: MICROCEPHALY AND SPONTANEOUS CHROMOSOME INSTABILITY WITHOUT IMMUNODEFICIENCY; NBS-LIKE DISORDER; RAD50 DEFICIENCY. Identifiers: Orphanet 240760, MedGen C2751318, MONDO:0013118, OMIM 613078.

Allele frequency attached by ClinVar (database versions not stated): ExAC 0.00001; gnomAD 0.00001; gnomAD exomes 0.00001.
gnomAD v4.1: 6 of 1,613,624 alleles (0.00037%); highest among the groups gnomAD compares: Admixed American, 0.0017%; no homozygotes.

Submissions (4):

Quest Diagnostics Nichols Institute San Juan Capistrano
Classification: Uncertain significance. Last evaluated: 2024-01-15. Review status: criteria provided, single submitter. Criteria: Quest Diagnostics criteria. Collection method: clinical testing. Allele origin: unknown.
Comment: The RAD50 c.1378G>A (p.Val460Met) variant has not been reported in individuals with RAD50-related conditions in the published literature. In a breast cancer case-control study, the variant has only been observed in reportedly healthy individuals (PMID: 33471991 (2021), see also LOVD). The frequency of this variant in the general population, 0.000027 (3/113010 chromosomes (Genome Aggregation Database)), is uninformative in the assessment of its pathogenicity. Analysis of this variant using bioinformatics tools for the prediction of the effect of amino acid changes on protein structure and function yielded predictions that this variant is benign. Based on the available information, we are unable to determine the clinical significance of this variant.

Labcorp Genetics (formerly Invitae), Labcorp
Classification: Uncertain significance for Hereditary cancer-predisposing syndrome. Last evaluated: 2023-10-22. Review status: criteria provided, single submitter. Criteria: Invitae Variant Classification Sherloc (09022015). Collection method: clinical testing. Allele origin: germline.
Comment: This sequence change replaces valine, which is neutral and non-polar, with methionine, which is neutral and non-polar, at codon 460 of the RAD50 protein (p.Val460Met). This variant is present in population databases (rs587782440, gnomAD 0.003%). This variant has not been reported in the literature in individuals affected with RAD50-related conditions. ClinVar contains an entry for this variant (Variation ID: 142405). Advanced modeling of protein sequence and biophysical properties (such as structural, functional, and spatial information, amino acid conservation, physicochemical variation, residue mobility, and thermodynamic stability) has been performed at Invitae for this missense variant, however the output from this modeling did not meet the statistical confidence thresholds required to predict the impact of this variant on RAD50 protein function. In summary, the available evidence is currently insufficient to determine the role of this variant in disease. Therefore, it has been classified as a Variant of Uncertain Significance.

Ambry Genetics
Classification: Uncertain significance for Hereditary cancer-predisposing syndrome. Last evaluated: 2023-06-15. Review status: criteria provided, single submitter. Criteria: Ambry Variant Classification Scheme 2023. Collection method: clinical testing. Allele origin: germline.
Comment: The p.V460M variant (also known as c.1378G>A), located in coding exon 9 of the RAD50 gene, results from a G to A substitution at nucleotide position 1378. The valine at codon 460 is replaced by methionine, an amino acid with highly similar properties. This amino acid position is well conserved in available vertebrate species. In addition, this alteration is predicted to be tolerated by in silico analysis. Since supporting evidence is limited at this time, the clinical significance of this alteration remains unclear.

Laboratory of Medical Genetics Unit, Bambino Gesù Children's Hospital
Classification: Uncertain significance for Meningioma. Review status: criteria provided, single submitter. Criteria: ACMG Guidelines, 2015. Collection method: research. Allele origin: germline. Affected: yes.
Comment: The variant NM_005732.4 (RAD50): c.1378G>A (p.Val460Met) is rare in GnomAD. It is not reported in literature. It is annotated on Clinvar as VUS in in Hereditary Cancer-predisposing Syndrome [RCV000131505.19]. It is classified as VUS following the ACMG criteria (PM2 and BP4).

Literature cited by the submitters: PubMed 33471991 (cited by Quest Diagnostics Nichols Institute San Juan Capistrano).

NM_005732.4(RAD50):c.1378G>A (p.Val460Met)

Gene: RAD50 (RAD50 double strand break repair protein; plus strand). Cytogenetic location: 5q31.1.
Variant type: single nucleotide variant.
Coding change: c.1378G>A on transcript NM_005732.4 (MANE Select); coding-DNA position 1378, G replaced by A.
Protein change: p.Val460Met; replaces valine 460 with methionine.
Molecular consequence: missense variant.
Genome position (GRCh38, 1-based): chr5:132,589,763, G>A. VCF-style: chr5-132589763-G-A. GRCh37 (hg19) VCF-style: chr5-131925455-G-A.
Other names: short protein forms V460M.
Identifiers: ClinVar variation 142405 (VCV000142405.18), dbSNP rs587782440, ClinGen allele CA168252.